The following is an entry in ClinVar:

ClinVar aggregate classification (germline): Uncertain significance. Review status: criteria provided, single submitter (1 of 4 stars). 2 submissions from 2 submitters: Uncertain significance (1). 1 of the submissions does not count toward it. Last evaluated 2023-12-14.

Conditions:
SEMA5A-related disorder. Also called: SEMA5A-related condition.

Allele frequency attached by ClinVar (database versions not stated): gnomAD exomes below 0.00001.
gnomAD v4.1: 5 of 1,613,968 alleles (0.00031%); highest among the groups gnomAD compares: Non-Finnish European, 0.00017%; no homozygotes.

Submissions (2):

Ambry Genetics
Classification: Uncertain significance. Last evaluated: 2023-12-14. Review status: criteria provided, single submitter. Criteria: Ambry Variant Classification Scheme 2023. Collection method: clinical testing. Allele origin: germline.

PreventionGenetics, part of Exact Sciences
Classification: Uncertain significance for SEMA5A-related condition. Last evaluated: 2024-09-27. Review status: no assertion criteria provided. Collection method: clinical testing. Allele origin: germline. Not counted in ClinVar's aggregate classification.
Comment: The SEMA5A c.1123G>T variant is predicted to result in the amino acid substitution p.Asp375Tyr. To our knowledge, this variant has not been reported in the literature or in a large population database, indicating this variant is rare. At this time, the clinical significance of this variant is uncertain due to the absence of conclusive functional and genetic evidence.

NM_003966.3(SEMA5A):c.1123G>T (p.Asp375Tyr)

Gene: SEMA5A (semaphorin 5A; minus strand). Cytogenetic location: 5p15.31.
Variant type: single nucleotide variant.
Coding change: c.1123G>T on transcript NM_003966.3 (MANE Select); coding-DNA position 1123, G replaced by T.
Protein change: p.Asp375Tyr; replaces aspartic acid 375 with tyrosine.
Molecular consequence: missense variant.
Genome position (GRCh38, 1-based): chr5:9,190,417, C>A on the plus strand (G>T on the coding strand, the complement: SEMA5A is on the minus strand). VCF-style: chr5-9190417-C-A. GRCh37 (hg19) VCF-style: chr5-9190529-C-A.
Other names: short protein forms D375Y.
Identifiers: ClinVar variation 3159851 (VCV003159851.2), dbSNP rs1745039779, ClinGen allele CA359178773.